The following is an entry in ClinVar:

NM_058216.3(RAD51C):c.146-17T>C

Gene: RAD51C (RAD51 paralog C; plus strand). Cytogenetic location: 17q22.
Variant type: single nucleotide variant.
Coding change: c.146-17T>C on transcript NM_058216.3 (MANE Select); 17 bases into the intron before coding-DNA position 146, T replaced by C.
Molecular consequence: intron variant.
Genome position (GRCh38, 1-based): chr17:58,694,914, T>C. VCF-style: chr17-58694914-T-C. GRCh37 (hg19) VCF-style: chr17-56772275-T-C.
Other names: c.146-17T>C (NM_002876.4).
Identifiers: ClinVar variation 1988646 (VCV001988646.5), dbSNP rs2509272609, ClinGen allele CA2580094343.

ClinVar aggregate classification (germline): Likely benign. Review status: criteria provided, multiple submitters, no conflicts (2 of 4 stars). 2 submissions from 2 submitters: Likely benign (2). Last evaluated 2025-02-14.

Conditions:
Breast-ovarian cancer, familial, susceptibility to, 3. Also called: RAD51C-Related Breast/Ovarian Cancer. Identifiers: Orphanet 145, MedGen C3150659, MONDO:0013253, OMIM 613399.
Fanconi anemia complementation group O. Also called: RAD51C-Related Fanconi Anemia. Identifiers: Orphanet 84, MedGen C3150653, MONDO:0013248, OMIM 613390.

Submissions (2):

Myriad Genetics, Inc.
Classification: Likely benign for Breast-ovarian cancer, familial, susceptibility to, 3. Last evaluated: 2025-02-14. Review status: criteria provided, single submitter. Criteria: Myriad Autosomal Dominant, Autosomal Recessive and X-Linked Classification Criteria (2023). Collection method: clinical testing. Allele origin: unknown.
Comment: This variant is considered likely benign. This variant is intronic and is not expected to impact mRNA splicing.

Labcorp Genetics (formerly Invitae), Labcorp
Classification: Likely benign for Fanconi anemia complementation group O. Last evaluated: 2022-08-31. Review status: criteria provided, single submitter. Criteria: Invitae Variant Classification Sherloc (09022015). Collection method: clinical testing. Allele origin: germline.